The following is an entry in ClinVar:

ClinVar aggregate classification (germline): Uncertain significance (1 of 4 stars; one submission).

Conditions:
Dystonic disorder. Also called: Dystonia. Identifiers: MedGen C0013421, MONDO:0003441, HP:0001332.

Allele frequency attached by ClinVar (database versions not stated): gnomAD 0.00001; TOPMed 0.00001; gnomAD exomes 0.00002.
gnomAD v4.1: 22 of 1,437,112 alleles (0.0015%); highest among the groups gnomAD compares: Middle Eastern, 0.044%; no homozygotes.

Submission:

Labcorp Genetics (formerly Invitae), Labcorp
Classification: Uncertain significance for Dystonic disorder. Last evaluated: 2025-09-02. Review status: criteria provided, single submitter. Criteria: Invitae Variant Classification Sherloc (09022015). Collection method: clinical testing. Allele origin: germline.
Comment: This sequence change replaces threonine, which is neutral and polar, with methionine, which is neutral and non-polar, at codon 881 of the CIZ1 protein (p.Thr881Met). The frequency data for this variant in the population databases is considered unreliable, as metrics indicate poor data quality at this position in the gnomAD database. This variant has not been reported in the literature in individuals affected with CIZ1-related conditions. ClinVar contains an entry for this variant (Variation ID: 2760422). An algorithm developed to predict the effect of missense changes on protein structure and function outputs the following: PolyPhen-2: "Benign". The methionine amino acid residue is found in multiple mammalian species, which suggests that this missense change does not adversely affect protein function. In summary, the available evidence is currently insufficient to determine the role of this variant in disease. Therefore, it has been classified as a Variant of Uncertain Significance.

NM_001131016.2(CIZ1):c.2642C>T (p.Thr881Met)

Gene: CIZ1 (CDKN1A interacting zinc finger protein 1; minus strand). Cytogenetic location: 9q34.11.
Variant type: single nucleotide variant.
Coding change: c.2642C>T on transcript NM_001131016.2 (MANE Select); coding-DNA position 2642, C replaced by T.
Protein change: p.Thr881Met; replaces threonine 881 with methionine.
Molecular consequence: missense variant.
Genome position (GRCh38, 1-based): chr9:128,166,252, G>A on the plus strand (C>T on the coding strand, the complement: CIZ1 is on the minus strand). VCF-style: chr9-128166252-G-A. GRCh37 (hg19) VCF-style: chr9-130928531-G-A.
Other names: c.2474C>T, p.Thr825Met (NM_001131015.2); c.2459C>T, p.Thr820Met (NM_001131017.2); c.2402C>T, p.Thr801Met (NM_001131018.2); c.2810C>T, p.Thr937Met (NM_001257975.2); c.2339C>T, p.Thr780Met (NM_001257976.2); c.2642C>T, p.Thr881Met (NM_012127.3); short protein forms T825M, T801M, T937M, T780M, T820M, T881M.
Identifiers: ClinVar variation 2760422 (VCV002760422.3), dbSNP rs745411073, ClinGen allele CA5256957.